The following is an entry in ClinVar:

ClinVar aggregate classification (germline): Uncertain significance (1 of 4 stars; one submission).

Conditions:
Myofibrillar myopathy 4. Also called: Zaspopathy (type). Identifiers: Orphanet 98912, MedGen C4721886, MONDO:0012277, OMIM 609452.

Allele frequency attached by ClinVar (database versions not stated): gnomAD exomes below 0.00001.
gnomAD v4.1: 4 of 1,613,772 alleles (0.00025%); highest among the groups gnomAD compares: Non-Finnish European, 0.00034%; no homozygotes.

Submission:

Labcorp Genetics (formerly Invitae), Labcorp
Classification: Uncertain significance for Myofibrillar myopathy 4. Last evaluated: 2023-05-02. Review status: criteria provided, single submitter. Criteria: Invitae Variant Classification Sherloc (09022015). Collection method: clinical testing. Allele origin: germline.
Comment: This variant has not been reported in the literature in individuals affected with LDB3-related conditions. This variant is not present in population databases (gnomAD no frequency). This sequence change replaces leucine, which is neutral and non-polar, with methionine, which is neutral and non-polar, at codon 704 of the LDB3 protein (p.Leu704Met). The LDB3 gene has multiple clinically relevant transcripts. This variant occurs in alternate transcript NM_007078.3, and corresponds to NM_001080116.1:c.*33528C>A in the primary transcript. In summary, the available evidence is currently insufficient to determine the role of this variant in disease. Therefore, it has been classified as a Variant of Uncertain Significance. Experimental studies and prediction algorithms are not available or were not evaluated, and the functional significance of this variant is currently unknown.

NM_007078.3(LDB3):c.2110C>A (p.Leu704Met)

Gene: LDB3 (LIM domain binding 3; plus strand). Cytogenetic location: 10q23.2.
Variant type: single nucleotide variant.
Coding change: c.2110C>A on transcript NM_007078.3 (MANE Select); coding-DNA position 2110, C replaced by A.
Protein change: p.Leu704Met; replaces leucine 704 with methionine.
Molecular consequence: missense variant.
Genome position (GRCh38, 1-based): chr10:86,732,902, C>A. VCF-style: chr10-86732902-C-A. GRCh37 (hg19) VCF-style: chr10-88492659-C-A.
Other names: c.1780C>A, p.Leu594Met (NM_001080114.2); c.2125C>A, p.Leu709Met (NM_001171610.2); c.1921C>A, p.Leu641Met (NM_001368064.1, NM_001368065.1); c.1969C>A, p.Leu657Met (NM_001368066.1); short protein forms L641M, L594M, L704M, L657M, L709M.
Identifiers: ClinVar variation 2861619 (VCV002861619.3), dbSNP rs2492881846, ClinGen allele CA377460154.